The following is an entry in ClinVar:

NM_022336.4(EDAR):c.1264G>A (p.Asp422Asn)

Genes: EDAR (ectodysplasin A receptor; minus strand), RANBP2 (RAN binding protein 2; plus strand). Cytogenetic location: 2q13.
Variant type: single nucleotide variant.
Coding change: c.1264G>A on transcript NM_022336.4 (MANE Select); coding-DNA position 1264, G replaced by A.
Protein change: p.Asp422Asn; replaces aspartic acid 422 with asparagine.
Molecular consequence: missense variant.
Genome position (GRCh38, 1-based): chr2:108,896,990, C>T on the plus strand (G>A on the coding strand, the complement: EDAR is on the minus strand). VCF-style: chr2-108896990-C-T. GRCh37 (hg19) VCF-style: chr2-109513446-C-T.
Other names: short protein forms D422N.
Identifiers: ClinVar variation 1388925 (VCV001388925.6), dbSNP rs1388587376, ClinGen allele CA348047737.

ClinVar aggregate classification (germline): Uncertain significance (1 of 4 stars; one submission).

Conditions:
Autosomal recessive hypohidrotic ectodermal dysplasia syndrome. Also called: Autosomal recessive hypohidrotic ectodermal dysplasia. Identifiers: Orphanet 248, MedGen C0406702, MONDO:0016619.
Ectodermal dysplasia 10A, hypohidrotic/hair/nail type, autosomal dominant (ECTD10A). Also called: Ectodermal Dysplasia 3, Anhidrotic. Identifiers: Orphanet 1810, Orphanet 238468, MedGen C3888065, MONDO:0007509, OMIM 129490.

Allele frequency attached by ClinVar (database versions not stated): gnomAD exomes below 0.00001.
gnomAD v4.1: 1 of 1,613,854 alleles (0.000062%); highest among the groups gnomAD compares: East Asian, 0.0022%; no homozygotes.

Submission:

Labcorp Genetics (formerly Invitae), Labcorp
Classification: Uncertain significance for Ectodermal dysplasia 10A, hypohidrotic/hair/nail type, autosomal dominant; Autosomal recessive hypohidrotic ectodermal dysplasia syndrome. Last evaluated: 2021-12-23. Review status: criteria provided, single submitter. Criteria: Invitae Variant Classification Sherloc (09022015). Collection method: clinical testing. Allele origin: germline.
Comment: This sequence change replaces aspartic acid, which is acidic and polar, with asparagine, which is neutral and polar, at codon 422 of the EDAR protein (p.Asp422Asn). This variant is not present in population databases (gnomAD no frequency). This variant has not been reported in the literature in individuals affected with EDAR-related conditions. Advanced modeling of protein sequence and biophysical properties (such as structural, functional, and spatial information, amino acid conservation, physicochemical variation, residue mobility, and thermodynamic stability) performed at Invitae indicates that this missense variant is expected to disrupt EDAR protein function. In summary, the available evidence is currently insufficient to determine the role of this variant in disease. Therefore, it has been classified as a Variant of Uncertain Significance.